The following is an entry in ClinVar:

NM_001128840.3(CACNA1D):c.2423A>G (p.Tyr808Cys)

Gene: CACNA1D (calcium voltage-gated channel subunit alpha1 D; plus strand). Cytogenetic location: 3p21.1.
Variant type: single nucleotide variant.
Coding change: c.2423A>G on transcript NM_001128840.3 (MANE Select); coding-DNA position 2423, A replaced by G.
Protein change: p.Tyr808Cys; replaces tyrosine 808 with cysteine.
Molecular consequence: missense variant.
Genome position (GRCh38, 1-based): chr3:53,732,032, A>G. VCF-style: chr3-53732032-A-G. GRCh37 (hg19) VCF-style: chr3-53766059-A-G.
Other names: c.2483A>G, p.Tyr828Cys (NM_000720.4); c.2423A>G, p.Tyr808Cys (NM_001128839.3); c.2483A>G (NM_000720.3); short protein forms Y808C, Y828C.
Identifiers: ClinVar variation 1358582 (VCV001358582.7), dbSNP rs1048955693, ClinGen allele CA74853220.

ClinVar aggregate classification (germline): Uncertain significance (1 of 4 stars; one submission).

Conditions:
Aldosterone-producing adenoma with seizures and neurological abnormalities. Also called: Primary aldosteronism, seizures, and neurologic abnormalities. Identifiers: Orphanet 369929, MedGen C3809609, MONDO:0014200, OMIM 615474.
Sinoatrial node dysfunction and deafness (SANDD). Identifiers: Orphanet 324321, MedGen C3554018, MONDO:0013960, OMIM 614896.

Allele frequency attached by ClinVar (database versions not stated): TOPMed 0.00003; gnomAD 0.00005.
gnomAD v4.1: 15 of 1,609,774 alleles (0.00093%); highest among the groups gnomAD compares: Admixed American, 0.01%; no homozygotes.

Submission:

Labcorp Genetics (formerly Invitae), Labcorp
Classification: Uncertain significance. Last evaluated: 2022-10-25. Review status: criteria provided, single submitter. Criteria: Invitae Variant Classification Sherloc (09022015). Collection method: clinical testing. Allele origin: germline.
Comment: In summary, the available evidence is currently insufficient to determine the role of this variant in disease. Therefore, it has been classified as a Variant of Uncertain Significance. Advanced modeling of protein sequence and biophysical properties (such as structural, functional, and spatial information, amino acid conservation, physicochemical variation, residue mobility, and thermodynamic stability) performed at Invitae indicates that this missense variant is not expected to disrupt CACNA1D protein function. ClinVar contains an entry for this variant (Variation ID: 1358582). This variant has not been reported in the literature in individuals affected with CACNA1D-related conditions. This variant is present in population databases (no rsID available, gnomAD 0.006%). This sequence change replaces tyrosine, which is neutral and polar, with cysteine, which is neutral and slightly polar, at codon 828 of the CACNA1D protein (p.Tyr828Cys).